The following is an entry in ClinVar:

NM_022489.4(INF2):c.683A>C (p.Asp228Ala)

Gene: INF2 (inverted formin 2; plus strand). Cytogenetic location: 14q32.33.
Variant type: single nucleotide variant.
Coding change: c.683A>C on transcript NM_022489.4 (MANE Select); coding-DNA position 683, A replaced by C.
Protein change: p.Asp228Ala; replaces aspartic acid 228 with alanine.
Molecular consequence: missense variant. On other transcripts: non-coding transcript variant (1).
Genome position (GRCh38, 1-based): chr14:104,703,931, A>C. VCF-style: chr14-104703931-A-C. GRCh37 (hg19) VCF-style: chr14-105170268-A-C.
Other names: c.683A>C, p.Asp228Ala (NM_001031714.4, NM_001426862.1, NM_001426863.1 and 6 more transcripts); short protein forms D228A.
Identifiers: ClinVar variation 3749272 (VCV003749272.2).

ClinVar aggregate classification (germline): Uncertain significance (1 of 4 stars; one submission).

Conditions:
Focal segmental glomerulosclerosis 5 (FSGS5). Identifiers: Orphanet 656, MedGen C2750475, MONDO:0013191, OMIM 613237.
Charcot-Marie-Tooth disease dominant intermediate E. Also called: CHARCOT-MARIE-TOOTH NEUROPATHY WITH FOCAL SEGMENTAL GLOMERULONEPHRITIS. Identifiers: Orphanet 93114, MedGen C4302667, MONDO:0013758, OMIM 614455.

Submission:

Labcorp Genetics (formerly Invitae), Labcorp
Classification: Uncertain significance for Charcot-Marie-Tooth disease dominant intermediate E; Focal segmental glomerulosclerosis 5. Last evaluated: 2024-11-21. Review status: criteria provided, single submitter. Criteria: Invitae Variant Classification Sherloc (09022015). Collection method: clinical testing. Allele origin: germline.
Comment: This sequence change replaces aspartic acid, which is acidic and polar, with alanine, which is neutral and non-polar, at codon 228 of the INF2 protein (p.Asp228Ala). This variant is not present in population databases (gnomAD no frequency). This variant has not been reported in the literature in individuals affected with INF2-related conditions. Invitae Evidence Modeling of protein sequence and biophysical properties (such as structural, functional, and spatial information, amino acid conservation, physicochemical variation, residue mobility, and thermodynamic stability) has been performed for this missense variant. However, the output from this modeling did not meet the statistical confidence thresholds required to predict the impact of this variant on INF2 protein function. In summary, the available evidence is currently insufficient to determine the role of this variant in disease. Therefore, it has been classified as a Variant of Uncertain Significance.